The following is an entry in ClinVar:

NM_058179.4(PSAT1):c.153G>T (p.Lys51Asn)

Gene: PSAT1 (phosphoserine aminotransferase 1; plus strand). Cytogenetic location: 9q21.2.
Variant type: single nucleotide variant.
Coding change: c.153G>T on transcript NM_058179.4 (MANE Select); coding-DNA position 153, G replaced by T.
Protein change: p.Lys51Asn; replaces lysine 51 with asparagine.
Molecular consequence: missense variant.
Genome position (GRCh38, 1-based): chr9:78,301,985, G>T. VCF-style: chr9-78301985-G-T. GRCh37 (hg19) VCF-style: chr9-80916901-G-T.
Other names: c.153G>T, p.Lys51Asn (NM_021154.5); short protein forms K51N.
Identifiers: ClinVar variation 976922 (VCV000976922.6), dbSNP rs768121356, ClinGen allele CA5095536.
Genomic context (GRCh38, chr9:78,301,985, plus strand): 5'-GTTATTGTTGTTTATCTTTCCTTTCACAGAAATGAGTCACAGGTCATCAGATTTTGCCAA[G>T]ATTATTAACAATACAGAGAATCTTGTGCGGGAATTGCTGTAAGTTTTAAAAAGACCAAAT-3'
Protein context (NP_478059.1, residues 41-61): EMSHRSSDFA[Lys51Asn]IINNTENLVR

ClinVar aggregate classification (germline): Uncertain significance. Review status: criteria provided, single submitter (1 of 4 stars). 2 submissions from 2 submitters: Uncertain significance (1). 1 of the submissions does not count toward it. Last evaluated 2022-02-04.

Conditions:
Neu-Laxova syndrome 2. Identifiers: Orphanet 2671, Orphanet 583602, MedGen C4015019, MONDO:0014466, OMIM 616038.

Allele frequency attached by ClinVar (database versions not stated): gnomAD exomes below 0.00001 and 0.00001; gnomAD 0.00001; TOPMed 0.00001; ExAC 0.00002.

Submissions (2):

Labcorp Genetics (formerly Invitae), Labcorp
Classification: Uncertain significance for Neu-Laxova syndrome 2. Last evaluated: 2022-02-04. Review status: criteria provided, single submitter. Criteria: Invitae Variant Classification Sherloc (09022015). Collection method: clinical testing. Allele origin: germline.
Comment: In summary, the available evidence is currently insufficient to determine the role of this variant in disease. Therefore, it has been classified as a Variant of Uncertain Significance. Experimental studies have shown that this missense change does not substantially affect PSAT1 function (PMID: 32077105). Algorithms developed to predict the effect of missense changes on protein structure and function are either unavailable or do not agree on the potential impact of this missense change (SIFT: "Deleterious"; PolyPhen-2: "Benign"; Align-GVGD: "Class C0"). ClinVar contains an entry for this variant (Variation ID: 976922). This variant has not been reported in the literature in individuals affected with PSAT1-related conditions. This variant is present in population databases (rs768121356, gnomAD 0.02%). This sequence change replaces lysine, which is basic and polar, with asparagine, which is neutral and polar, at codon 51 of the PSAT1 protein (p.Lys51Asn).

Dudley Research Group, Pacific Northwest Research Institute
No classification provided. Review status: no classification provided. Collection method: research, in vivo. Allele origin: unknown, not applicable. Functional consequence: functionally_normal. Not counted in ClinVar's aggregate classification.

Literature cited by the submitters: PubMed 32077105 (cited by Labcorp Genetics (formerly Invitae), Labcorp).